The following is an entry in ClinVar:

ClinVar aggregate classification (germline): Benign. Review status: criteria provided, multiple submitters, no conflicts (2 of 4 stars). 13 submissions from 13 submitters: Benign (11). 2 of the submissions do not count toward it. Last evaluated 2026-02-04.

Conditions:
Hereditary cancer-predisposing syndrome. Also called: Tumor predisposition; Hereditary Cancer Syndrome; Neoplastic Syndromes, Hereditary; Hereditary neoplastic syndrome. Identifiers: Orphanet 140162, MedGen C0027672, MeSH D009386, MONDO:0015356.
POLD1-related polyposis and colorectal cancer syndrome (CRCS10). Also called: Colorectal cancer 10; COLORECTAL CANCER, SUSCEPTIBILITY TO, ON CHROMOSOME 19q; Colorectal cancer, susceptibility to, 10. Identifiers: Orphanet 220460, MedGen C2675481, MONDO:0012953, OMIM 612591.
Carcinoma of colon (CRC). Also called: Colonic carcinoma; Colon carcinoma. Identifiers: MedGen C0699790, MONDO:0002032.

Allele frequency attached by ClinVar (database versions not stated): gnomAD exomes 0.00160 and 0.00405; ExAC 0.00522; gnomAD 0.01609 and 0.01698; ESP Exome Variant Server 0.01791; 1000 Genomes Project 0.01817; TOPMed 0.01868; 1000 Genomes Project 30x 0.01983.
gnomAD v4.1: 4,912 of 1,612,714 alleles (0.3%); highest among the groups gnomAD compares: African/African-American, 5.4%; 131 homozygotes.

Submissions (13):

Labcorp Genetics (formerly Invitae), Labcorp
Classification: Benign for POLD1-related polyposis and colorectal cancer syndrome. Last evaluated: 2026-02-04. Review status: criteria provided, single submitter. Criteria: Invitae Variant Classification Sherloc (09022015). Collection method: clinical testing. Allele origin: germline.

CeGaT Center for Human Genetics Tuebingen
Classification: Benign. Last evaluated: 2025-10-01. Review status: criteria provided, single submitter. Criteria: CeGaT Center For Human Genetics Tuebingen Variant Classification Criteria Version 2. Collection method: clinical testing. Allele origin: germline. Affected: yes. Observed: 1 variant allele.
Comment: POLD1: BP4, BP7, BS1, BS2

ARUP Laboratories, Molecular Genetics and Genomics, ARUP Laboratories
Classification: Benign. Last evaluated: 2025-05-23. Review status: criteria provided, single submitter. Criteria: ARUP Molecular Germline Variant Investigation Process 2024. Collection method: clinical testing. Allele origin: germline.

Center for Genomic Medicine, Rigshospitalet, Copenhagen University Hospital
Classification: Benign. Last evaluated: 2025-03-04. Review status: criteria provided, single submitter. Criteria: ACMG Guidelines, 2015. Collection method: clinical testing. Allele origin: germline.

KCCC/NGS Laboratory, Kuwait Cancer Control Center
Classification: Benign for POLD1-related polyposis and colorectal cancer syndrome. Last evaluated: 2023-07-07. Review status: criteria provided, single submitter. Criteria: ACMG Guidelines, 2015. Collection method: clinical testing. Allele origin: germline. Affected: yes.

Women's Health and Genetics/Laboratory Corporation of America, LabCorp
Classification: Benign. Last evaluated: 2017-10-12. Review status: criteria provided, single submitter. Criteria: LabCorp Variant Classification Summary - May 2015. Collection method: clinical testing. Allele origin: germline.
Comment: Variant summary: The POLD1 c.1713C>T (p.Pro571Pro) variant involves the alteration of a non-conserved nucleotide causing a synonymous change and 5/5 splice prediction tools predict no significant impact on normal splicing. ESE finder predicts that this variant may alter ESE binding. However, these predictions have yet to be confirmed by functional studies. This variant was found in 1443/274898 control chromosomes (gnomAD), predominantly observed in the African subpopulation at a frequency of 0.053441 (1269/23746, 32 homozygotes). This frequency is about 3762 times the estimated maximal expected allele frequency of a pathogenic POLD1 variant (0.0000142), suggesting this is likely a benign polymorphism found primarily in the populations of African origin. In addition, multiple clinical diagnostic laboratories classified this variant as benign. The variant of interest has not, to our knowledge, been reported in affected individuals via publications. Taken together, this variant is classified as benign.

PreventionGenetics, part of Exact Sciences
Classification: Benign. Last evaluated: 2016-12-08. Review status: criteria provided, single submitter. Criteria: ACMG Guidelines, 2015. Collection method: clinical testing. Allele origin: germline.

Quest Diagnostics Nichols Institute San Juan Capistrano
Classification: Benign. Last evaluated: 2016-09-07. Review status: criteria provided, single submitter. Criteria: Quest Diagnostics criteria. Collection method: clinical testing. Allele origin: unknown.

GeneDx
Classification: Benign. Last evaluated: 2015-11-11. Review status: criteria provided, single submitter. Criteria: GeneDx Variant Classification (06012015). Collection method: clinical testing. Allele origin: germline. Affected: yes.
Comment: This variant is considered likely benign or benign based on one or more of the following criteria: it is a conservative change, it occurs at a poorly conserved position in the protein, it is predicted to be benign by multiple in silico algorithms, and/or has population frequency not consistent with disease.

Ambry Genetics
Classification: Benign for Hereditary cancer-predisposing syndrome. Last evaluated: 2015-05-21. Review status: criteria provided, single submitter. Criteria: Ambry Variant Classification Scheme 2023. Collection method: clinical testing. Allele origin: germline.

Breakthrough Genomics
Classification: Benign. Review status: criteria provided, single submitter. Criteria: ACMG Guidelines, 2015. Collection method: not provided. Allele origin: germline. Inheritance: Autosomal dominant inheritance. Affected: yes.

True Health Diagnostics
Classification: Likely benign for Hereditary cancer-predisposing syndrome. Last evaluated: 2018-01-03. Review status: no assertion criteria provided. Collection method: clinical testing. Allele origin: germline. Not counted in ClinVar's aggregate classification.

Department of Pathology and Laboratory Medicine, Sinai Health System
Classification: Benign for Carcinoma of colon. Review status: no assertion criteria provided. Collection method: clinical testing. Allele origin: unknown. Affected: yes. Observed: 1 variant allele. Study: The Canadian Open Genetics Repository (COGR). Not counted in ClinVar's aggregate classification.
Comment: The POLD1 p.Pro571= variant was identified in dbSNP (ID: rs2230248) â€šÃ„ÃºWith Benign alleleâ€šÃ„Ã¹, ClinVar (classified benign by Invitae, GeneDx, Ambry Genetics and Quest Diagnostics Nichols Institute San Juan Capistrano), and in control databases in 1443 (33 homozygous) of 274898 chromosomes at a frequency of 0.005 increasing the likelihood this could be a low frequency benign variant (Genome Aggregation Database Feb 27, 2017). Breakdown of the observations by population include African in 1269 (32 homozygous) of 23746 chromosomes (freq: 0.05), Other in 26 of 6408 chromosomes (freq: 0.004), Latino in 104 (1 homozygous) of 34354 chromosomes (freq: 0.003), European Non-Finnish in 30 of 125554 chromosomes (freq: 0.0002), Ashkenazi Jewish in 8 of 10100 chromosomes (freq: 0.0008), East Asian in 1 of 18828 chromosomes (freq: 0.00005), and South Asian in 5 of 30682 chromosomes (freq: 0.0002) while not observed in the European Finnish population. The p.Pro571= variant is not expected to have clinical significance because it does not result in a change of amino acid and is not located in a known consensus splice site. In addition, in silico or computational prediction software programs (SpliceSiteFinder, MaxEntScan, NNSPLICE, GeneSplicer, HumanSpliceFinder) do not predict a difference in splicing. In summary, based on the above information this variant meets our laboratory's criteria to be classified as benign.

NM_002691.4(POLD1):c.1713C>T (p.Pro571=)

Gene: POLD1 (DNA polymerase delta 1, catalytic subunit; plus strand). Cytogenetic location: 19q13.33.
Variant type: single nucleotide variant.
Coding change: c.1713C>T on transcript NM_002691.4 (MANE Select); coding-DNA position 1713, C replaced by T.
Protein change: p.Pro571=; no amino-acid change (proline 571 retained).
Molecular consequence: synonymous variant. On other transcripts: non-coding transcript variant (1).
Genome position (GRCh38, 1-based): chr19:50,407,353, C>T. VCF-style: chr19-50407353-C-T. GRCh37 (hg19) VCF-style: chr19-50910610-C-T.
Other names: c.1713C>T, p.Pro571= (NM_001256849.1, NM_001308632.1).
Identifiers: ClinVar variation 239252 (VCV000239252.36), dbSNP rs2230248, ClinGen allele CA9596240.
Genomic context (GRCh38, chr19:50,407,353, plus strand): 5'-TACCCACTCCATTTCCCACCTTCTCCCCTCCCAGGCCATGCACGAGGGGCTGCTGATGCC[C>T]GTGGTGAAGTCAGAGGGCGGCGAGGACTACACGGGAGCCACTGTCATCGAGCCCCTCAAA-3'
Protein context (NP_002682.2, residues 561-581): RQAMHEGLLM[Pro571=]VVKSEGGEDY